The following is an entry in ClinVar:

ClinVar aggregate classification (germline): Uncertain significance (1 of 4 stars; one submission).

Conditions:
Vici syndrome (VICIS). Identifiers: Orphanet 1493, MedGen C1855772, MONDO:0009452, OMIM 242840.

Allele frequency attached by ClinVar (database versions not stated): gnomAD 0.00001; TOPMed 0.00002.
gnomAD v4.1: 39 of 1,613,484 alleles (0.0024%); highest among the groups gnomAD compares: Admixed American, 0.0033%; no homozygotes.

Submission:

Labcorp Genetics (formerly Invitae), Labcorp
Classification: Uncertain significance for Vici syndrome. Last evaluated: 2024-10-07. Review status: criteria provided, single submitter. Criteria: Invitae Variant Classification Sherloc (09022015). Collection method: clinical testing. Allele origin: germline.
Comment: This sequence change replaces proline, which is neutral and non-polar, with alanine, which is neutral and non-polar, at codon 832 of the EPG5 protein (p.Pro832Ala). This variant is present in population databases (rs779658335, gnomAD 0.006%). This variant has not been reported in the literature in individuals affected with EPG5-related conditions. ClinVar contains an entry for this variant (Variation ID: 1408909). Invitae Evidence Modeling of protein sequence and biophysical properties (such as structural, functional, and spatial information, amino acid conservation, physicochemical variation, residue mobility, and thermodynamic stability) indicates that this missense variant is not expected to disrupt EPG5 protein function with a negative predictive value of 80%. In summary, the available evidence is currently insufficient to determine the role of this variant in disease. Therefore, it has been classified as a Variant of Uncertain Significance.

NM_020964.3(EPG5):c.2494C>G (p.Pro832Ala)

Gene: EPG5 (ectopic P-granules 5 autophagy tethering factor; minus strand). Cytogenetic location: 18q21.1.
Variant type: single nucleotide variant.
Coding change: c.2494C>G on transcript NM_020964.3 (MANE Select); coding-DNA position 2494, C replaced by G.
Protein change: p.Pro832Ala; replaces proline 832 with alanine.
Molecular consequence: missense variant.
Genome position (GRCh38, 1-based): chr18:45,928,928, G>C on the plus strand (C>G on the coding strand, the complement: EPG5 is on the minus strand). VCF-style: chr18-45928928-G-C. GRCh37 (hg19) VCF-style: chr18-43508894-G-C.
Other names: short protein forms P832A.
Identifiers: ClinVar variation 1408909 (VCV001408909.6), dbSNP rs779658335, ClinGen allele CA8949412.